The following is an entry in ClinVar:

NM_153816.6(SNX14):c.1075G>T (p.Ala359Ser)

Gene: SNX14 (sorting nexin 14; minus strand). Cytogenetic location: 6q14.3.
Variant type: single nucleotide variant.
Coding change: c.1075G>T on transcript NM_153816.6 (MANE Select); coding-DNA position 1075, G replaced by T.
Protein change: p.Ala359Ser; replaces alanine 359 with serine.
Molecular consequence: missense variant. On other transcripts: 5 prime UTR variant (6), non-coding transcript variant (6).
Genome position (GRCh38, 1-based): chr6:85,547,145, C>A on the plus strand (G>T on the coding strand, the complement: SNX14 is on the minus strand). VCF-style: chr6-85547145-C-A. GRCh37 (hg19) VCF-style: chr6-86256863-C-A.
Other names: c.1075G>T, p.Ala359Ser (NM_001297614.3, NM_001350540.2, NM_001350541.2); c.919G>T, p.Ala307Ser (NM_001304479.2); c.1138G>T, p.Ala380Ser (NM_001350532.2); c.1072G>T, p.Ala358Ser (NM_001350533.2, NM_001350534.2, NM_001350535.2); c.943G>T, p.Ala315Ser (NM_001350536.2, NM_020468.6); c.940G>T, p.Ala314Ser (NM_001350537.2); c.931G>T, p.Ala311Ser (NM_001350538.2); c.916G>T, p.Ala306Ser (NM_001350539.2); and 7 more; short protein forms A262S, A307S, A263S, A315S, A358S, A9S, A211S, A259S.
Identifiers: ClinVar variation 720649 (VCV000720649.15), dbSNP rs146849758, ClinGen allele CA3912229.

ClinVar aggregate classification (germline): Conflicting classifications of pathogenicity. Review status: criteria provided, conflicting classifications (1 of 4 stars). 5 submissions from 5 submitters: Uncertain significance (1); Likely benign (3). 1 of the submissions does not count toward it. Last evaluated 2026-01-19.

Conditions:
SNX14-related disorder. Also called: SNX14-related condition.

Allele frequency attached by ClinVar (database versions not stated): 1000 Genomes Project 30x 0.00187; 1000 Genomes Project 0.00140; TOPMed 0.00154; ESP Exome Variant Server 0.00169.
gnomAD v4.1: 676 of 1,613,976 alleles (0.042%); highest among the groups gnomAD compares: African/African-American, 0.53%; 1 homozygote.

Submissions (5):

Labcorp Genetics (formerly Invitae), Labcorp
Classification: Likely benign. Last evaluated: 2026-01-19. Review status: criteria provided, single submitter. Criteria: Invitae Variant Classification Sherloc (09022015). Collection method: clinical testing. Allele origin: germline.

Women's Health and Genetics/Laboratory Corporation of America, LabCorp
Classification: Likely benign. Last evaluated: 2025-01-07. Review status: criteria provided, single submitter. Criteria: LabCorp Variant Classification Summary - May 2015. Collection method: clinical testing. Allele origin: germline.
Comment: Variant summary: SNX14 c.1075G>T (p.Ala359Ser) results in a conservative amino acid change located in the RGS domain (IPR016137) of the encoded protein sequence. Three of five in-silico tools predict a benign effect of the variant on protein function. The variant allele was found at a frequency of 0.00044 in 251176 control chromosomes, predominantly at a frequency of 0.0048 within the African or African-American subpopulation in the gnomAD database. The observed variant frequency within African or African-American control individuals in the gnomAD database exceeds the estimated maximal expected allele frequency for a pathogenic variant in SNX14 causing Autosomal Recessive Spinocerebellar Ataxia 20 phenotype. To our knowledge, no occurrence of c.1075G>T in individuals affected with Autosomal Recessive Spinocerebellar Ataxia 20 and no experimental evidence demonstrating its impact on protein function have been reported. ClinVar contains an entry for this variant (Variation ID: 720649). Based on the evidence outlined above, the variant was classified as likely benign.

Mendelics
Classification: Uncertain significance. Last evaluated: 2022-05-04. Review status: criteria provided, single submitter. Criteria: Mendelics Assertion Criteria 2019. Collection method: clinical testing. Allele origin: germline.

GeneDx
Classification: Likely benign. Last evaluated: 2021-03-15. Review status: criteria provided, single submitter. Criteria: GeneDx Variant Classification Process June 2021. Collection method: clinical testing. Allele origin: germline. Affected: yes.

PreventionGenetics, part of Exact Sciences
Classification: Likely benign for SNX14-related condition. Last evaluated: 2019-11-20. Review status: no assertion criteria provided. Collection method: clinical testing. Allele origin: germline. Not counted in ClinVar's aggregate classification.
Comment: This variant is classified as likely benign based on ACMG/AMP sequence variant interpretation guidelines (Richards et al. 2015 PMID: 25741868, with internal and published modifications).